The following is an entry in ClinVar:

NM_000235.4(LIPA):c.232C>A (p.Pro78Thr)

Gene: LIPA (lipase A, lysosomal acid type; minus strand). Cytogenetic location: 10q23.31.
Variant type: single nucleotide variant.
Coding change: c.232C>A on transcript NM_000235.4 (MANE Select); coding-DNA position 232, C replaced by A.
Protein change: p.Pro78Thr; replaces proline 78 with threonine.
Molecular consequence: missense variant. On other transcripts: 5 prime UTR variant (1).
Genome position (GRCh38, 1-based): chr10:89,228,396, G>T on the plus strand (C>A on the coding strand, the complement: LIPA is on the minus strand). VCF-style: chr10-89228396-G-T. GRCh37 (hg19) VCF-style: chr10-90988153-G-T.
Other names: c.232C>A, p.Pro78Thr (NM_001127605.3); c.-117C>A (NM_001288979.2); c.232C>A (NM_000235.2); short protein forms P78T.
Identifiers: ClinVar variation 598108 (VCV000598108.8), dbSNP rs903291078, ClinGen allele CA211369958.
Genomic context (GRCh38, chr10:89,228,396, plus strand): 5'-TTGTGACCCAGTTACTAGAATCTGCCAGCAAGCCATGTTGCAGGAAGACAACTGGTTTGG[G>T]ACCTGAAAAACATTCATTGTTTAGGAGGCAGTAGCACCAAGCTTCAAAACAAATATGATA-3'
Protein context (NP_000226.2, residues 68-88): HGRKNHSDKG[Pro78Thr]KPVVFLQHGL

ClinVar aggregate classification (germline): Uncertain significance. Review status: criteria provided, multiple submitters, no conflicts (2 of 4 stars). 3 submissions from 3 submitters: Uncertain significance (3). Last evaluated 2025-09-25.

Conditions:
Cardiovascular phenotype. Identifiers: MedGen CN230736.
Wolman disease (WOLD). Also called: Wolman disease, CESD; LYSOSOMAL ACID LIPASE DEFICIENCY, ACUTE INFANTILE; LYSOSOMAL ACID LIPASE DEFICIENCY, COMPLETE; LIPA DEFICIENCY, COMPLETE; LAL DEFICIENCY, COMPLETE; CHOLESTEROL ESTER HYDROLASE DEFICIENCY, COMPLETE. Identifiers: Orphanet 75233, MedGen C0043208, MONDO:0019148, OMIM 620151.

Allele frequency attached by ClinVar (database versions not stated): gnomAD 0.00003; gnomAD exomes below 0.00001; TOPMed 0.00002.
gnomAD v4.1: 13 of 1,613,972 alleles (0.00081%); highest among the groups gnomAD compares: African/African-American, 0.013%; no homozygotes.

Submissions (3):

Ambry Genetics
Classification: Uncertain significance for Cardiovascular phenotype. Last evaluated: 2025-09-25. Review status: criteria provided, single submitter. Criteria: Ambry Variant Classification Scheme 2023. Collection method: clinical testing. Allele origin: germline.

Labcorp Genetics (formerly Invitae), Labcorp
Classification: Uncertain significance for Wolman disease. Last evaluated: 2022-07-19. Review status: criteria provided, single submitter. Criteria: Invitae Variant Classification Sherloc (09022015). Collection method: clinical testing. Allele origin: germline.
Comment: This sequence change replaces proline, which is neutral and non-polar, with threonine, which is neutral and polar, at codon 78 of the LIPA protein (p.Pro78Thr). This variant is present in population databases (no rsID available, gnomAD 0.03%). This variant has not been reported in the literature in individuals affected with LIPA-related conditions. ClinVar contains an entry for this variant (Variation ID: 598108). Algorithms developed to predict the effect of missense changes on protein structure and function are either unavailable or do not agree on the potential impact of this missense change (SIFT: "Deleterious"; PolyPhen-2: "Possibly Damaging"; Align-GVGD: "Class C0"). In summary, the available evidence is currently insufficient to determine the role of this variant in disease. Therefore, it has been classified as a Variant of Uncertain Significance.

Eurofins Ntd Llc (ga)
Classification: Uncertain significance. Last evaluated: 2018-07-20. Review status: criteria provided, single submitter. Criteria: EGL ClinVar v180209 classification definitions. Collection method: clinical testing. Allele origin: germline. Observed: 1 variant allele, 1 heterozygote.